The following is an entry in ClinVar:

NM_006517.5(SLC16A2):c.1244T>A (p.Val415Asp)

Gene: SLC16A2 (solute carrier family 16 member 2; plus strand). Cytogenetic location: Xq13.2.
Variant type: single nucleotide variant.
Coding change: c.1244T>A on transcript NM_006517.5 (MANE Select); coding-DNA position 1244, T replaced by A.
Protein change: p.Val415Asp; replaces valine 415 with aspartic acid.
Molecular consequence: missense variant.
Genome position (GRCh38, 1-based): chrX:74,529,286, T>A. VCF-style: chrX-74529286-T-A. GRCh37 (hg19) VCF-style: chrX-73749121-T-A.
Other names: short protein forms V415D.
Identifiers: ClinVar variation 582862 (VCV000582862.8), dbSNP rs1569300465, ClinGen allele CA413658313.
Genomic context (GRCh38, chrX:74,529,286, plus strand): 5'-TGCTCCTGGGCCTGATGTCCATGATGATTCCCCTGTGCCGGGACTTCGGGGGCCTTATCG[T>A]CGTCTGTCTTTTCCTGGGCCTTTGCGATGGCTTCTTCATCACCATCATGGCCCCCATTGC-3'
Protein context (NP_006508.2, residues 405-425): PLCRDFGGLI[Val415Asp]VCLFLGLCDG

ClinVar aggregate classification (germline): Uncertain significance (1 of 4 stars; one submission).

Conditions:
Spastic paraplegia. Identifiers: MedGen C0037772, HP:0001258.

Submission:

Labcorp Genetics (formerly Invitae), Labcorp
Classification: Uncertain significance for Spastic paraplegia. Last evaluated: 2018-04-27. Review status: criteria provided, single submitter. Criteria: Invitae Variant Classification Sherloc (09022015). Collection method: clinical testing. Allele origin: germline.
Comment: In summary, the available evidence is currently insufficient to determine the role of this variant in disease. Therefore, it has been classified as a Variant of Uncertain Significance. Algorithms developed to predict the effect of missense changes on protein structure and function do not agree on the potential impact of this missense change (SIFT: "Deleterious"; PolyPhen-2: "Probably Damaging"; Align-GVGD: "Class C0"). This variant has not been reported in the literature in individuals with SLC16A2-related disease. This variant is not present in population databases (ExAC no frequency). This sequence change replaces valine with aspartic acid at codon 415 of the SLC16A2 protein (p.Val415Asp). The valine residue is highly conserved and there is a large physicochemical difference between valine and aspartic acid.